The following is an entry in ClinVar:

ClinVar aggregate classification (germline): Likely pathogenic (1 of 4 stars; one submission).

Conditions:
Hereditary hemochromatosis (HFE). Identifiers: MedGen C0392514, MONDO:0006507. Disease mechanism: loss of function.

Allele frequency attached by ClinVar (database versions not stated): gnomAD 0.00001.
gnomAD v4.1: 1 of 1,613,882 alleles (0.000062%); highest among the groups gnomAD compares: Admixed American, 0.0017%; no homozygotes.

Submission:

Labcorp Genetics (formerly Invitae), Labcorp
Classification: Likely pathogenic for Hereditary hemochromatosis. Last evaluated: 2022-12-31. Review status: criteria provided, single submitter. Criteria: Invitae Variant Classification Sherloc (09022015). Collection method: clinical testing. Allele origin: germline.
Comment: This sequence change affects an acceptor splice site in intron 4 of the HFE gene. It is expected to disrupt RNA splicing. Variants that disrupt the donor or acceptor splice site typically lead to a loss of protein function (PMID: 16199547), and loss-of-function variants in HFE are known to be pathogenic (PMID: 27518069). In summary, the currently available evidence indicates that the variant is pathogenic, but additional data are needed to prove that conclusively. Therefore, this variant has been classified as Likely Pathogenic. Algorithms developed to predict the effect of sequence changes on RNA splicing suggest that this variant may disrupt the consensus splice site. This variant has not been reported in the literature in individuals affected with HFE-related conditions. This variant is present in population databases (no rsID available, gnomAD 0.1%).

Literature cited by the submitters: PubMed 16199547; PubMed 27518069.

NM_000410.4(HFE):c.893-1G>C

Gene: HFE (homeostatic iron regulator; plus strand). Cytogenetic location: 6p22.2.
Variant type: single nucleotide variant.
Coding change: c.893-1G>C on transcript NM_000410.4 (MANE Select); the canonical splice acceptor site of the intron before coding-DNA position 893, G replaced by C.
Molecular consequence: splice acceptor variant.
Genome position (GRCh38, 1-based): chr6:26,093,118, G>C. VCF-style: chr6-26093118-G-C. GRCh37 (hg19) VCF-style: chr6-26093346-G-C.
Other names: c.884-1G>C (NM_001406751.1); c.893-1G>C (NM_001384164.1, NM_001300749.3); c.851-1G>C (NM_139006.3); c.617-1G>C (NM_139004.3); c.575-1G>C (NM_139003.3); c.824-1G>C (NM_139009.3); c.629-1G>C (NM_139007.3, NM_001406752.1); c.587-1G>C (NM_139008.3); and 2 more.
Identifiers: ClinVar variation 3007618 (VCV003007618.3), dbSNP rs1224306184, ClinGen allele CA363209404.